The following is an entry in ClinVar:

NM_004239.4(TRIP11):c.5078C>T (p.Ala1693Val)

Gene: TRIP11 (thyroid hormone receptor interactor 11; minus strand). Cytogenetic location: 14q32.12.
Variant type: single nucleotide variant.
Coding change: c.5078C>T on transcript NM_004239.4 (MANE Select); coding-DNA position 5078, C replaced by T.
Protein change: p.Ala1693Val; replaces alanine 1693 with valine.
Molecular consequence: missense variant.
Genome position (GRCh38, 1-based): chr14:91,993,891, G>A on the plus strand (C>T on the coding strand, the complement: TRIP11 is on the minus strand). VCF-style: chr14-91993891-G-A. GRCh37 (hg19) VCF-style: chr14-92460235-G-A.
Other names: c.5075C>T, p.Ala1692Val (NM_001321851.1); short protein forms A1693V, A1692V.
Identifiers: ClinVar variation 1365641 (VCV001365641.8), dbSNP rs765791979, ClinGen allele CA7313285.

ClinVar aggregate classification (germline): Uncertain significance (1 of 4 stars; one submission).

Conditions:
Achondrogenesis, type IA (ACG1A). Identifiers: Orphanet 932, Orphanet 93299, MedGen C0265273, MONDO:0008701, OMIM 200600.

Allele frequency attached by ClinVar (database versions not stated): gnomAD 0.00001; TOPMed 0.00001; ExAC 0.00004; gnomAD exomes 0.00004.
gnomAD v4.1: 23 of 1,613,018 alleles (0.0014%); highest among the groups gnomAD compares: South Asian, 0.022%; no homozygotes.

Submission:

Labcorp Genetics (formerly Invitae), Labcorp
Classification: Uncertain significance for Achondrogenesis, type IA. Last evaluated: 2022-01-14. Review status: criteria provided, single submitter. Criteria: Invitae Variant Classification Sherloc (09022015). Collection method: clinical testing. Allele origin: germline.
Comment: In summary, the available evidence is currently insufficient to determine the role of this variant in disease. Therefore, it has been classified as a Variant of Uncertain Significance. Algorithms developed to predict the effect of missense changes on protein structure and function are either unavailable or do not agree on the potential impact of this missense change (SIFT: "Not Available"; PolyPhen-2: "Benign"; Align-GVGD: "Not Available"). This variant has not been reported in the literature in individuals affected with TRIP11-related conditions. This variant is present in population databases (rs765791979, gnomAD 0.03%). This sequence change replaces alanine, which is neutral and non-polar, with valine, which is neutral and non-polar, at codon 1693 of the TRIP11 protein (p.Ala1693Val).